The following is an entry in ClinVar:

NM_020457.3(THAP11):c.36C>T (p.Tyr12=)

Genes: CENPT (centromere protein T; minus strand), THAP11 (THAP domain containing 11; plus strand). Cytogenetic location: 16q22.1.
Variant type: single nucleotide variant.
Coding change: c.36C>T on transcript NM_020457.3 (MANE Select); coding-DNA position 36, C replaced by T.
Protein change: p.Tyr12=; no amino-acid change (tyrosine 12 retained).
Molecular consequence: synonymous variant. On other transcripts: intron variant (1).
Genome position (GRCh38, 1-based): chr16:67,842,590, C>T. VCF-style: chr16-67842590-C-T. GRCh37 (hg19) VCF-style: chr16-67876493-C-T.
Other names: c.-492+4811G>A (NM_025082.4).
Identifiers: ClinVar variation 4690663 (VCV004690663.1).

ClinVar aggregate classification (germline): Uncertain significance (1 of 4 stars; one submission).

gnomAD v4.1: 6 of 1,546,392 alleles (0.00039%); highest among the groups gnomAD compares: Admixed American, 0.0039%; no homozygotes.

Submission:

Labcorp Genetics (formerly Invitae), Labcorp
Classification: Uncertain significance. Last evaluated: 2025-11-03. Review status: criteria provided, single submitter. Criteria: Invitae Variant Classification Sherloc (09022015). Collection method: clinical testing. Allele origin: germline.
Comment: This sequence change affects codon 12 of the THAP11 mRNA. It is a 'silent' change, meaning that it does not change the encoded amino acid sequence of the THAP11 protein. The frequency data for this variant in the population databases is considered unreliable, as metrics indicate poor data quality at this position in the gnomAD database. This variant has not been reported in the literature in individuals affected with THAP11-related conditions. In summary, the available evidence is currently insufficient to determine the role of this variant in disease. Therefore, it has been classified as a Variant of Uncertain Significance.